The following is an entry in ClinVar:

ClinVar aggregate classification (germline): Likely benign (1 of 4 stars; one submission).

Allele frequency attached by ClinVar (database versions not stated): ExAC 0.00001; gnomAD exomes 0.00002; gnomAD 0.00003; TOPMed 0.00003; ESP Exome Variant Server 0.00008.
gnomAD v4.1: 41 of 1,613,502 alleles (0.0025%); highest among the groups gnomAD compares: Non-Finnish European, 0.0021%; no homozygotes.

Submission:

CeGaT Center for Human Genetics Tuebingen
Classification: Likely benign. Last evaluated: 2022-06-01. Review status: criteria provided, single submitter. Criteria: CeGaT Center For Human Genetics Tuebingen Variant Classification Criteria Version 2. Collection method: clinical testing. Allele origin: germline. Affected: yes. Observed: 1 variant allele.
Comment: PAX7: BP4, BP7

NM_001135254.2(PAX7):c.93C>T (p.Thr31=)

Gene: PAX7 (paired box 7; plus strand). Cytogenetic location: 1p36.13.
Variant type: single nucleotide variant.
Coding change: c.93C>T on transcript NM_001135254.2 (MANE Select); coding-DNA position 93, C replaced by T.
Protein change: p.Thr31=; no amino-acid change (threonine 31 retained).
Molecular consequence: synonymous variant.
Genome position (GRCh38, 1-based): chr1:18,634,310, C>T. VCF-style: chr1-18634310-C-T. GRCh37 (hg19) VCF-style: chr1-18960804-C-T.
Other names: c.93C>T, p.Thr31= (NM_002584.3, NM_013945.3).
Identifiers: ClinVar variation 2638401 (VCV002638401.24), dbSNP rs372604920, ClinGen allele CA645562.
Genomic context (GRCh38, chr1:18,634,310, plus strand): 5'-CTCCATCCTCACCCTGCACCTCTCTCCTTCTGCATCTCCCCTCCCTTCTCCAGTGTCCAC[C>T]CCGCTTGGCCAAGGCCGGGTCAATCAGCTGGGAGGGGTCTTCATCAATGGGCGACCCCTG-3'
Protein context (NP_001128726.1, residues 21-41): PRTGFPLEVS[Thr31=]PLGQGRVNQL